The following is an entry in ClinVar:

NM_020937.4(FANCM):c.3573A>C (p.Gln1191His)

Gene: FANCM (FA complementation group M; plus strand). Cytogenetic location: 14q21.2.
Variant type: single nucleotide variant.
Coding change: c.3573A>C on transcript NM_020937.4 (MANE Select); coding-DNA position 3573, A replaced by C.
Protein change: p.Gln1191His; replaces glutamine 1191 with histidine.
Molecular consequence: missense variant.
Genome position (GRCh38, 1-based): chr14:45,176,327, A>C. VCF-style: chr14-45176327-A-C. GRCh37 (hg19) VCF-style: chr14-45645530-A-C.
Other names: c.3495A>C, p.Gln1165His (NM_001308133.2); short protein forms Q1165H, Q1191H.
Identifiers: ClinVar variation 4871187 (VCV004871187.1).

ClinVar aggregate classification (germline): Uncertain significance (1 of 4 stars; one submission).

Conditions:
Inborn genetic diseases. Identifiers: MedGen C0950123, MeSH D030342.

Submission:

Ambry Genetics
Classification: Uncertain significance for Inborn genetic diseases. Last evaluated: 2026-06-09. Review status: criteria provided, single submitter. Criteria: Ambry Variant Classification Scheme 2023. Collection method: clinical testing. Allele origin: germline.
Comment: The p.Q1191H variant (also known as c.3573A>C), located in coding exon 14 of the FANCM gene, results from an A to C substitution at nucleotide position 3573. The glutamine at codon 1191 is replaced by histidine, an amino acid with highly similar properties. This amino acid position is conserved. In addition, this alteration is predicted to be tolerated by in silico analysis. Based on the available evidence, the clinical significance of this variant remains unclear.